The following is an entry in ClinVar:

NM_007194.4(CHEK2):c.181A>C (p.Ser61Arg)

Gene: CHEK2 (checkpoint kinase 2; minus strand). Cytogenetic location: 22q12.1.
Variant type: single nucleotide variant.
Coding change: c.181A>C on transcript NM_007194.4 (MANE Select); coding-DNA position 181, A replaced by C.
Protein change: p.Ser61Arg; replaces serine 61 with arginine.
Molecular consequence: missense variant.
Genome position (GRCh38, 1-based): chr22:28,734,541, T>G on the plus strand (A>C on the coding strand, the complement: CHEK2 is on the minus strand). VCF-style: chr22-28734541-T-G. GRCh37 (hg19) VCF-style: chr22-29130529-T-G.
Other names: c.181A>C, p.Ser61Arg (NM_001005735.3, NM_001349956.3, NM_145862.3); c.-597A>C (NM_001257387.3); short protein forms S61R.
Identifiers: ClinVar variation 840808 (VCV000840808.10), dbSNP rs766499735, ClinGen allele CA411090872.

ClinVar aggregate classification (germline): Uncertain significance (1 of 4 stars; one submission).

Conditions:
Familial cancer of breast. Also called: Hereditary breast cancer; hereditary breast carcinoma; BREAST CANCER, FAMILIAL. Identifiers: Orphanet 227535, MedGen C0346153, MONDO:0016419, OMIM 114480. Disease mechanism: loss of function.

Submission:

Labcorp Genetics (formerly Invitae), Labcorp
Classification: Uncertain significance for Familial cancer of breast. Last evaluated: 2019-12-01. Review status: criteria provided, single submitter. Criteria: Invitae Variant Classification Sherloc (09022015). Collection method: clinical testing. Allele origin: germline.
Comment: This variant has not been reported in the literature in individuals with CHEK2-related conditions. In summary, the available evidence is currently insufficient to determine the role of this variant in disease. Therefore, it has been classified as a Variant of Uncertain Significance. Algorithms developed to predict the effect of missense changes on protein structure and function are either unavailable or do not agree on the potential impact of this missense change (SIFT: "Deleterious"; PolyPhen-2: "Benign"; Align-GVGD: "Class C65"). This variant is not present in population databases (ExAC no frequency). This sequence change replaces serine with arginine at codon 61 of the CHEK2 protein (p.Ser61Arg). The serine residue is highly conserved and there is a moderate physicochemical difference between serine and arginine.